The following is an entry in ClinVar:

NM_001035.3(RYR2):c.8791C>T (p.Arg2931Cys)

Gene: RYR2 (ryanodine receptor 2; plus strand). Cytogenetic location: 1q43.
Variant type: single nucleotide variant.
Coding change: c.8791C>T on transcript NM_001035.3 (MANE Select); coding-DNA position 8791, C replaced by T.
Protein change: p.Arg2931Cys; replaces arginine 2931 with cysteine.
Molecular consequence: missense variant.
Genome position (GRCh38, 1-based): chr1:237,674,807, C>T. VCF-style: chr1-237674807-C-T. GRCh37 (hg19) VCF-style: chr1-237838107-C-T.
Other names: c.8791C>T, p.Arg2931Cys (LRG_402t1); short protein forms R2931C.
Identifiers: ClinVar variation 630581 (VCV000630581.12), dbSNP rs777983238, ClinGen allele CA087725.

ClinVar aggregate classification (germline): Uncertain significance. Review status: criteria provided, multiple submitters, no conflicts (2 of 4 stars). 5 submissions from 5 submitters: Uncertain significance (5). Last evaluated 2025-04-09.

Conditions:
Catecholaminergic polymorphic ventricular tachycardia (CVPT). Also called: Catecholamine-induced polymorphic ventricular tachycardia. Identifiers: Orphanet 3286, MedGen C5574922, MONDO:0017990.
Cardiovascular phenotype. Identifiers: MedGen CN230736.
Cardiomyopathy (CMYO). Also called: Cardiomyopathies. Identifiers: Orphanet 167848, MedGen C0878544, MONDO:0004994, HP:0001638. Inheritance: Various modes of inheritance.
Catecholaminergic polymorphic ventricular tachycardia 1. Also called: RYR2-Related Catecholaminergic Polymorphic Ventricular Tachycardia; VENTRICULAR TACHYCARDIA, CATECHOLAMINERGIC POLYMORPHIC, 1, WITH OR WITHOUT ATRIAL DYSFUNCTION AND/OR DILATED CARDIOMYOPATHY; VENTRICULAR TACHYCARDIA, STRESS-INDUCED POLYMORPHIC 1. Identifiers: Orphanet 3286, MedGen C1631597, MONDO:0011484, OMIM 604772.

Allele frequency attached by ClinVar (database versions not stated): gnomAD exomes 0.00001; ExAC 0.00002.
gnomAD v4.1: 8 of 1,611,426 alleles (0.0005%); highest among the groups gnomAD compares: Middle Eastern, 0.017%; no homozygotes.

Submissions (5):

Molecular Diagnostic Laboratory for Inherited Cardiovascular Disease, Montreal Heart Institute
Classification: Uncertain significance for Cardiovascular phenotype. Last evaluated: 2025-04-09. Review status: criteria provided, single submitter. Criteria: ACMG Guidelines, 2015. Collection method: clinical testing. Allele origin: germline. Affected: yes.
Comment: PM2, PP2

All of Us Research Program, National Institutes of Health
Classification: Uncertain significance for Catecholaminergic polymorphic ventricular tachycardia. Last evaluated: 2024-02-05. Review status: criteria provided, single submitter. Criteria: ACMG Guidelines, 2015. Collection method: clinical testing. Allele origin: germline. Inheritance: Autosomal dominant inheritance. Observed: 2 variant alleles, 2 heterozygotes.
Comment: This missense variant replaces arginine with cysteine at codon 2931 of the RYR2 protein. Computational prediction is inconclusive regarding the impact of this variant on protein structure and function (internally defined REVEL score threshold 0.5 < inconclusive < 0.7, PMID: 27666373). To our knowledge, functional studies have not been reported for this variant. This variant has not been reported in individuals affected with RYR2-related disorders in the literature. This variant has been identified in 2/248604 chromosomes in the general population by the Genome Aggregation Database (gnomAD). The available evidence is insufficient to determine the role of this variant in disease conclusively. Therefore, this variant is classified as a Variant of Uncertain Significance.

This study involves interpretation of variants in research participants for the purpose of population health screening. Participant phenotype was not available at the time of variant classification. Additional details can be found in publication PMID: 35346344, PMCID: PMC8962531

Color Diagnostics, LLC DBA Color Health
Classification: Uncertain significance for Cardiomyopathy. Last evaluated: 2023-03-01. Review status: criteria provided, single submitter. Criteria: ACMG Guidelines, 2015. Collection method: clinical testing. Allele origin: germline.
Comment: This missense variant replaces arginine with cysteine at codon 2931 of the RYR2 protein. Computational prediction is inconclusive regarding the impact of this variant on protein structure and function (internally defined REVEL score threshold 0.5 < inconclusive < 0.7, PMID: 27666373). To our knowledge, functional studies have not been reported for this variant. This variant has not been reported in individuals affected with RYR2-related disorders in the literature. This variant has been identified in 2/248604 chromosomes in the general population by the Genome Aggregation Database (gnomAD). The available evidence is insufficient to determine the role of this variant in disease conclusively. Therefore, this variant is classified as a Variant of Uncertain Significance.

Labcorp Genetics (formerly Invitae), Labcorp
Classification: Uncertain significance for Catecholaminergic polymorphic ventricular tachycardia 1. Last evaluated: 2022-07-12. Review status: criteria provided, single submitter. Criteria: Invitae Variant Classification Sherloc (09022015). Collection method: clinical testing. Allele origin: germline.
Comment: This sequence change replaces arginine, which is basic and polar, with cysteine, which is neutral and slightly polar, at codon 2931 of the RYR2 protein (p.Arg2931Cys). This variant is present in population databases (rs777983238, gnomAD 0.006%). This variant has not been reported in the literature in individuals affected with RYR2-related conditions. ClinVar contains an entry for this variant (Variation ID: 630581). Advanced modeling of protein sequence and biophysical properties (such as structural, functional, and spatial information, amino acid conservation, physicochemical variation, residue mobility, and thermodynamic stability) performed at Invitae indicates that this missense variant is not expected to disrupt RYR2 protein function. In summary, the available evidence is currently insufficient to determine the role of this variant in disease. Therefore, it has been classified as a Variant of Uncertain Significance.

Blueprint Genetics
Classification: Uncertain significance. Last evaluated: 2020-06-05. Review status: criteria provided, single submitter. Criteria: ACMG Guidelines, 2015. Collection method: clinical testing. Allele origin: germline.